The following is an entry in ClinVar:

NM_001429.4(EP300):c.5608dup (p.Gln1870fs)

Gene: EP300 (EP300 lysine acetyltransferase; plus strand). Cytogenetic location: 22q13.2.
Variant type: Duplication.
Coding change: c.5608dup on transcript NM_001429.4 (MANE Select); coding-DNA position 5608, one base duplicated (C; older notation c.5608dupC).
Protein change: p.Gln1870fs; shifts the reading frame from glutamine 1870.
Molecular consequence: frameshift variant.
Genome position (GRCh38, 1-based): chr22:41,177,319, C duplicated; the last of 4 consecutive C bases (chr22:41,177,316-41,177,319); duplicating any one gives the same sequence. VCF-style (leftmost placement, unchanged base first): chr22-41177315-G-GC. GRCh37 (hg19) VCF-style: chr22-41573319-G-GC.
Other names: c.5530dup, p.Gln1844fs (NM_001362843.2); short protein forms Q1844fs, Q1870fs.
Identifiers: ClinVar variation 4291898 (VCV004291898.1).
Genomic context (GRCh38, chr22:41,177,315, plus strand): 5'-TTCCCCCACTCCTGCCACTCCAACGACACCAACTGGCCAACAGCCAACCACCCCGCAGAC[G>GC]CCCCAGCCCACTTCTCAGCCTCAGCCTACCCCTCCCAATAGCATGCCACCCTACTTGCCC-3'

ClinVar aggregate classification (germline): Likely pathogenic (1 of 4 stars; one submission).

Conditions:
Rubinstein-Taybi syndrome due to EP300 haploinsufficiency. Also called: EP300-Related Rubinstein-Taybi Syndrome; RUBINSTEIN-TAYBI SYNDROME 2. Identifiers: Orphanet 353284, Orphanet 783, MedGen C3150941, MONDO:0013364, OMIM 613684.

Submission:

3billion
Classification: Likely pathogenic for Rubinstein-Taybi syndrome due to EP300 haploinsufficiency. Last evaluated: 2024-11-28. Review status: criteria provided, single submitter. Criteria: ACMG Guidelines, 2015. Collection method: clinical testing. Allele origin: germline. Affected: yes.
Comment: The variant is not observed in the gnomAD v4.1.0 dataset. Predicted Consequence/Location: Frameshift: predicted to result in a loss or disruption of normal protein function through protein truncation. The predicted truncated protein may be shortened by more than 10%. Therefore, this variant is classified as Likely pathogenic according to the recommendation of ACMG/AMP guideline.